The following is an entry in ClinVar:

ClinVar aggregate classification (germline): Pathogenic/Likely pathogenic. Review status: criteria provided, multiple submitters, no conflicts (2 of 4 stars). 3 submissions from 3 submitters: Pathogenic (1); Likely pathogenic (2). Last evaluated 2025-08-25.

Conditions:
Developmental and epileptic encephalopathy, 69. Also called: EPILEPTIC ENCEPHALOPATHY, EARLY INFANTILE, 69. Identifiers: MedGen C4748988, MONDO:0032657, OMIM 618285.

Submissions (3):

Labcorp Genetics (formerly Invitae), Labcorp
Classification: Likely pathogenic. Last evaluated: 2025-08-25. Review status: criteria provided, single submitter. Criteria: Invitae Variant Classification Sherloc (09022015). Collection method: clinical testing. Allele origin: germline.
Comment: This sequence change replaces phenylalanine, which is neutral and non-polar, with leucine, which is neutral and non-polar, at codon 698 of the CACNA1E protein (p.Phe698Leu). This variant is not present in population databases (gnomAD no frequency). This variant has not been reported in the literature in individuals affected with CACNA1E-related conditions. ClinVar contains an entry for this variant (Variation ID: 870847). Invitae Evidence Modeling of protein sequence and biophysical properties (such as structural, functional, and spatial information, amino acid conservation, physicochemical variation, residue mobility, and thermodynamic stability) indicates that this missense variant is expected to disrupt CACNA1E protein function with a positive predictive value of 80%. This variant disrupts the p.Phe698 amino acid residue in CACNA1E. Other variant(s) that disrupt this residue have been determined to be pathogenic (PMID: 30343943). This suggests that this residue is clinically significant, and that variants that disrupt this residue are likely to be disease-causing. In summary, the currently available evidence indicates that the variant is pathogenic, but additional data are needed to prove that conclusively. Therefore, this variant has been classified as Likely Pathogenic.

Genome-Nilou Lab
Classification: Likely pathogenic for Developmental and epileptic encephalopathy, 69. Last evaluated: 2023-04-11. Review status: criteria provided, single submitter. Criteria: ACMG Guidelines, 2015. Collection method: clinical testing. Allele origin: germline. Affected: no.

CeGaT Center for Human Genetics Tuebingen
Classification: Pathogenic. Last evaluated: 2019-11-01. Review status: criteria provided, single submitter. Criteria: CeGaT Center For Human Genetics Tuebingen Variant Classification Criteria Version 2. Collection method: clinical testing. Allele origin: germline. Affected: yes. Observed: 3 variant alleles.

Literature cited by the submitters: PubMed 30343943 (cited by Labcorp Genetics (formerly Invitae), Labcorp).

NM_001205293.3(CACNA1E):c.2094C>A (p.Phe698Leu)

Gene: CACNA1E (calcium voltage-gated channel subunit alpha1 E; plus strand). Cytogenetic location: 1q25.3.
Variant type: single nucleotide variant.
Coding change: c.2094C>A on transcript NM_001205293.3 (MANE Select); coding-DNA position 2094, C replaced by A.
Protein change: p.Phe698Leu; replaces phenylalanine 698 with leucine.
Molecular consequence: missense variant.
Genome position (GRCh38, 1-based): chr1:181,724,489, C>A. VCF-style: chr1-181724489-C-A. GRCh37 (hg19) VCF-style: chr1-181693625-C-A.
Other names: c.2094C>A, p.Phe698Leu (NM_000721.4, NM_001205294.2); short protein forms F698L.
Identifiers: ClinVar variation 870847 (VCV000870847.45), dbSNP rs1445829303, ClinGen allele CA343628381.
Genomic context (GRCh38, chr1:181,724,489, plus strand): 5'-TTTGCTTTTCTTATTTGCCCATCCTTAATTCATCACCCCAGACACGCTACTGAATGTGTT[C>A]TTGGCTATCGCTGTGGATAATCTCGCCAACGCCCAGGAACTGACCAAGGTAAGCATTGTT-3'
Protein context (NP_001192222.1, residues 688-708): LFGNYTLLNV[Phe698Leu]LAIAVDNLAN